The following is an entry in ClinVar:

ClinVar aggregate classification (germline): Likely pathogenic (1 of 4 stars; one submission).

Conditions:
PLAG1-related disorder. Also called: PLAG1-related condition.

Submission:

PreventionGenetics, part of Exact Sciences
Classification: Likely pathogenic for PLAG1-related condition. Last evaluated: 2022-09-26. Review status: criteria provided, single submitter. Criteria: ACMG Guidelines, 2015. Collection method: clinical testing. Allele origin: germline.
Comment: The PLAG1 c.1075dupT variant is predicted to result in a frameshift and premature protein termination (p.Tyr359Leufs*23). To our knowledge, this variant has not been reported in the literature or in a large population database, indicating this variant is rare. Although this protein truncating variant is located within the last exon (which could indicate that the non-sense mediated decay may not take place and protein product may still be present) this variant shortens the protein product substantially by 118 amino acid residues. In addition pathogenic protein truncating variants were observed downstream as well as upstream of this variant (Habib et al. 2018. PubMed ID: 28796236). Frameshift variants in PLAG1 are expected to be pathogenic. This variant is interpreted as likely pathogenic.

NM_002655.3(PLAG1):c.1075dup (p.Tyr359fs)

Genes: PLAG1 (PLAG1 zinc finger; minus strand), LOC126860395 (BRD4-independent group 4 enhancer GRCh37_chr8:57079228-57080427; plus strand). Cytogenetic location: 8q12.1.
Variant type: Duplication.
Coding change: c.1075dup on transcript NM_002655.3 (MANE Select); coding-DNA position 1075, one base duplicated (T; older notation c.1075dupT).
Protein change: p.Tyr359fs; shifts the reading frame from tyrosine 359.
Molecular consequence: frameshift variant.
Genome position (GRCh38, 1-based): chr8:56,166,671, A duplicated on the plus strand (T on the coding strand, the reverse complement: PLAG1 is on the minus strand); the first of 2 consecutive A bases (chr8:56,166,671-56,166,672); duplicating either gives the same sequence. VCF-style (leftmost placement, unchanged base first): chr8-56166670-T-TA. GRCh37 (hg19) VCF-style: chr8-57079229-T-TA.
Other names: c.1075dup, p.Tyr359fs (NM_001114634.2); c.829dup, p.Tyr277fs (NM_001114635.2); short protein forms Y277fs, Y359fs.
Identifiers: ClinVar variation 2637241 (VCV002637241.1), dbSNP rs2487104940, ClinGen allele CA2695201468.
Genomic context (GRCh38, chr8:56,166,670, plus strand): 5'-GATGACGATGCTTGAGAATCTTGGGATGAAGAGGGCACGCCACCTTGTAACTCCATCAGG[T>TA]AACTCTCAATTTCCCCCTTTAATGGCTGTTCTTTTTCAGGAATAGAAATTGCATATGAGG-3'